The following is an entry in ClinVar:

NM_000455.5(STK11):c.1181G>A (p.Gly394Asp)

Gene: STK11 (serine/threonine kinase 11; plus strand). Cytogenetic location: 19p13.3.
Variant type: single nucleotide variant.
Coding change: c.1181G>A on transcript NM_000455.5 (MANE Select); coding-DNA position 1181, G replaced by A.
Protein change: p.Gly394Asp; replaces glycine 394 with aspartic acid.
Molecular consequence: missense variant. On other transcripts: non-coding transcript variant (1).
Genome position (GRCh38, 1-based): chr19:1,226,526, G>A. VCF-style: chr19-1226526-G-A. GRCh37 (hg19) VCF-style: chr19-1226525-G-A.
Other names: short protein forms G394D.
Identifiers: ClinVar variation 4832809 (VCV004832809.1).
Genomic context (GRCh38, chr19:1,226,526, plus strand): 5'-AAGAGGAGGCCAGTCACAATGGACAGCGCCGGGGCCTCCCCAAGGCCGTGTGTATGAACG[G>A]CACAGAGGCGGCGCAGCTGAGCACCAAATCCAGGGCGGAGGGCCGGGCCCCCAACCCTGC-3'
Protein context (NP_000446.1, residues 384-404): RGLPKAVCMN[Gly394Asp]TEAAQLSTKS

ClinVar aggregate classification (germline): Uncertain significance (1 of 4 stars; one submission).

Conditions:
Hereditary cancer-predisposing syndrome. Also called: Neoplastic Syndromes, Hereditary; Tumor predisposition; Hereditary Cancer Syndrome; Hereditary neoplastic syndrome. Identifiers: Orphanet 140162, MedGen C0027672, MeSH D009386, MONDO:0015356.

Submission:

Ambry Genetics
Classification: Uncertain significance for Hereditary cancer-predisposing syndrome. Last evaluated: 2026-03-13. Review status: criteria provided, single submitter. Criteria: Ambry Variant Classification Scheme 2023. Collection method: clinical testing. Allele origin: germline.
Comment: The p.G394D variant (also known as c.1181G>A), located in coding exon 9 of the STK11 gene, results from a G to A substitution at nucleotide position 1181. The glycine at codon 394 is replaced by aspartic acid, an amino acid with similar properties. This amino acid position is conserved. In addition, the in silico prediction for this alteration is inconclusive. Based on the available evidence, the clinical significance of this variant remains unclear.